The following is an entry in ClinVar:

NM_144573.4(NEXN):c.298+2T>C

Genes: NEXN (nexilin F-actin binding protein; plus strand), LOC126805765 (BRD4-independent group 4 enhancer GRCh37_chr1:78383688-78384887; plus strand). Cytogenetic location: 1p31.1.
Variant type: single nucleotide variant.
Coding change: c.298+2T>C on transcript NM_144573.4 (MANE Select); the canonical splice donor site of the intron after coding-DNA position 298, T replaced by C.
Molecular consequence: splice donor variant.
Genome position (GRCh38, 1-based): chr1:77,918,040, T>C. VCF-style: chr1-77918040-T-C. GRCh37 (hg19) VCF-style: chr1-78383725-T-C.
Other names: c.106+2T>C (NM_001172309.2).
Identifiers: ClinVar variation 2940524 (VCV002940524.3), dbSNP rs2526786866, ClinGen allele CA340886404.
Genomic context (GRCh38, chr1:77,918,040, plus strand): 5'-TGATGATGAGGAAGATGTATCTTCTAAAGTAGAAAAGGCTTATGTTCCAAAATTAACAGG[T>C]AAGAAGCTTGAGGGGTAAATAGTAAATTAAATTGCAAAATAGAAACATAACCAAGTATCA-3'

ClinVar aggregate classification (germline): Likely pathogenic (1 of 4 stars; one submission).

Conditions:
Dilated cardiomyopathy 1CC (CMD1CC). Identifiers: Orphanet 154, MedGen C2751084, MONDO:0013147, OMIM 613122.
Hypertrophic cardiomyopathy 20. Identifiers: MedGen C3151267, MONDO:0013477, OMIM 613876.

Submission:

Labcorp Genetics (formerly Invitae), Labcorp
Classification: Likely pathogenic for Dilated cardiomyopathy 1CC; Hypertrophic cardiomyopathy 20. Last evaluated: 2026-01-15. Review status: criteria provided, single submitter. Criteria: Invitae Variant Classification Sherloc (09022015). Collection method: clinical testing. Allele origin: germline.
Comment: This sequence change affects a donor splice site in intron 4 of the NEXN gene. It is expected to disrupt RNA splicing. Variants that disrupt the donor or acceptor splice site typically lead to a loss of protein function (PMID: 16199547), and loss-of-function variants in NEXN are known to be pathogenic (PMID: 19881492, 32058062, 32814711, 32870709, 33949776, 38059363, 40680702). This variant is not present in population databases (gnomAD no frequency). This variant has not been reported in the literature in individuals affected with NEXN-related conditions. ClinVar contains an entry for this variant (Variation ID: 2940524). Algorithms developed to predict the effect of sequence changes on RNA splicing suggest that this variant may disrupt the consensus splice site. In summary, the currently available evidence indicates that the variant is pathogenic, but additional data are needed to prove that conclusively. Therefore, this variant has been classified as Likely Pathogenic.

Literature cited by the submitters: PubMed 16199547; PubMed 19881492; PubMed 32058062; PubMed 32814711; PubMed 32870709; PubMed 33949776; PubMed 38059363; PubMed 40680702.